The following is an entry in ClinVar:

NM_007294.4(BRCA1):c.3316C>G (p.Pro1106Ala)

Genes: BRCA1 (BRCA1 DNA repair associated; minus strand), LOC126862571 (BRD4-independent group 4 enhancer GRCh37_chr17:41243136-41244335; plus strand). Cytogenetic location: 17q21.31.
Variant type: single nucleotide variant.
Coding change: c.3316C>G on transcript NM_007294.4 (MANE Select); coding-DNA position 3316, C replaced by G.
Protein change: p.Pro1106Ala; replaces proline 1106 with alanine.
Molecular consequence: missense variant. On other transcripts: intron variant (137).
Genome position (GRCh38, 1-based): chr17:43,092,215, G>C on the plus strand (C>G on the coding strand, the complement: BRCA1 is on the minus strand). VCF-style: chr17-43092215-G-C. GRCh37 (hg19) VCF-style: chr17-41244232-G-C.
Other names: c.3106C>G, p.Pro1036Ala (NM_001407910.1, NM_001407879.1, NM_001407881.1 and 13 more transcripts); c.3103C>G, p.Pro1035Ala (NM_001407915.1, NM_001407916.1, NM_001407917.1 and 9 more transcripts); c.3193C>G, p.Pro1065Ala (NM_001407919.1, NM_001407939.1, NM_001407937.1 and 19 more transcripts); c.3052C>G, p.Pro1018Ala (NM_001407920.1, NM_001407921.1, NM_001407922.1 and 9 more transcripts); c.3049C>G, p.Pro1017Ala (NM_001407930.1, NM_001407931.1, NM_001407932.1 and 2 more transcripts); c.2983C>G, p.Pro995Ala (NM_001407953.1, NM_001407946.1, NM_001407947.1 and 6 more transcripts); c.2980C>G, p.Pro994Ala (NM_001407954.1, NM_001407955.1, NM_001407956.1 and 1 more transcripts); c.3190C>G, p.Pro1064Ala (NM_001407940.1, NM_001407941.1, NM_001407649.1 and 11 more transcripts); and 41 more; short protein forms P1059A, P1106A, P1017A, P1035A, P1038A, P1058A, P1065A, P1103A.
Identifiers: ClinVar variation 1703930 (VCV001703930.8), dbSNP rs45599040, ClinGen allele CA10595353.
Genomic context (GRCh38, chr17:43,092,215, plus strand): 5'-GAGAGAAATCTGTATTAACAGTCTGAACTACTTCTTCATATTCTTGCTTTTTTATTTCAG[G>C]ATGCTTACAATTACTTCCAGGAAGACTTTGTTTATAGACCTCAGGTTGCAAAACCCCTAA-3'
Protein context (NP_009225.1, residues 1096-1116): QSLPGSNCKH[Pro1106Ala]EIKKQEYEEV

ClinVar aggregate classification (germline): Conflicting classifications of pathogenicity. Review status: criteria provided, conflicting classifications (1 of 4 stars). 4 submissions from 4 submitters: Uncertain significance (3); Likely benign (1). Last evaluated 2024-06-15.

Conditions:
Hereditary cancer-predisposing syndrome. Also called: Tumor predisposition; Neoplastic Syndromes, Hereditary; Hereditary Cancer Syndrome; Hereditary neoplastic syndrome. Identifiers: Orphanet 140162, MedGen C0027672, MeSH D009386, MONDO:0015356.
Hereditary breast ovarian cancer syndrome. Also called: Hereditary breast and ovarian cancer syndrome (HBOC); Breast and ovarian cancer; BRCA1- and BRCA2-Associated Hereditary Breast and Ovarian Cancer; Hereditary breast and ovarian cancer syndrome; Hereditary breast and/or ovarian cancer syndrome; Hereditary breast and ovarian cancer. Identifiers: Orphanet 145, MedGen C0677776, MeSH D061325, MONDO:0003582. Disease mechanism: loss of function.

gnomAD v4.1: 1 of 1,613,228 alleles (0.000062%); highest among the groups gnomAD compares: Middle Eastern, 0.016%; no homozygotes.

Submissions (4):

Labcorp Genetics (formerly Invitae), Labcorp
Classification: Uncertain significance for Hereditary breast ovarian cancer syndrome. Last evaluated: 2024-06-15. Review status: criteria provided, single submitter. Criteria: Invitae Variant Classification Sherloc (09022015). Collection method: clinical testing. Allele origin: germline.
Comment: This sequence change replaces proline, which is neutral and non-polar, with alanine, which is neutral and non-polar, at codon 1106 of the BRCA1 protein (p.Pro1106Ala). This variant is not present in population databases (gnomAD no frequency). This variant has not been reported in the literature in individuals affected with BRCA1-related conditions. ClinVar contains an entry for this variant (Variation ID: 1703930). Advanced modeling of protein sequence and biophysical properties (such as structural, functional, and spatial information, amino acid conservation, physicochemical variation, residue mobility, and thermodynamic stability) performed at Invitae indicates that this missense variant is not expected to disrupt BRCA1 protein function with a negative predictive value of 95%. In summary, the available evidence is currently insufficient to determine the role of this variant in disease. Therefore, it has been classified as a Variant of Uncertain Significance.

University of Washington Department of Laboratory Medicine, University of Washington
Classification: Likely benign for Hereditary cancer-predisposing syndrome. Last evaluated: 2023-03-23. Review status: criteria provided, single submitter. Criteria: Dines et al. (Genet Med. 2020). Collection method: curation. Allele origin: germline.
Comment: Missense variant in a coldspot region where missense variants are very unlikely to be pathogenic (PMID:31911673).

BRCA1 coldspot (exon 11 using historical exon numbering). Reclassification based on statistical prior probability

GeneDx
Classification: Uncertain significance. Last evaluated: 2022-03-02. Review status: criteria provided, single submitter. Criteria: GeneDx Variant Classification Process June 2021. Collection method: clinical testing. Allele origin: germline. Affected: yes.
Comment: Not observed at significant frequency in large population cohorts (gnomAD); In silico analysis supports that this missense variant has a deleterious effect on protein structure/function; Has not been previously published as pathogenic or benign to our knowledge; Also known as 3435C>G

Ambry Genetics
Classification: Uncertain significance for Hereditary cancer-predisposing syndrome. Last evaluated: 2021-05-24. Review status: criteria provided, single submitter. Criteria: Ambry Variant Classification Scheme 2023. Collection method: clinical testing. Allele origin: germline.
Comment: The p.P1106A variant (also known as c.3316C>G), located in coding exon 9 of the BRCA1 gene, results from a C to G substitution at nucleotide position 3316. The proline at codon 1106 is replaced by alanine, an amino acid with highly similar properties. This amino acid position is not well conserved in available vertebrate species. In addition, the in silico prediction for this alteration is inconclusive. Since supporting evidence is limited at this time, the clinical significance of this alteration remains unclear.